The following is an entry in ClinVar:

NM_198123.2(CSMD3):c.8976G>A (p.Met2992Ile)

Gene: CSMD3 (CUB and Sushi multiple domains 3; minus strand). Cytogenetic location: 8q23.3.
Variant type: single nucleotide variant.
Coding change: c.8976G>A on transcript NM_198123.2 (MANE Select); coding-DNA position 8976, G replaced by A.
Protein change: p.Met2992Ile; replaces methionine 2992 with isoleucine.
Molecular consequence: missense variant.
Genome position (GRCh38, 1-based): chr8:112,289,537, C>T on the plus strand (G>A on the coding strand, the complement: CSMD3 is on the minus strand). VCF-style: chr8-112289537-C-T. GRCh37 (hg19) VCF-style: chr8-113301766-C-T.
Other names: c.8376G>A, p.Met2792Ile (NM_001363185.1); c.8469G>A, p.Met2823Ile (NM_052900.3); c.8856G>A, p.Met2952Ile (NM_198124.2); short protein forms M2792I, M2823I, M2952I, M2992I.
Identifiers: ClinVar variation 2629932 (VCV002629932.2), dbSNP rs1819551173, ClinGen allele CA371999904.

ClinVar aggregate classification (germline): Uncertain significance (0 of 4 stars; one submission).

Conditions:
CSMD3-related disorder. Also called: CSMD3-related condition.

Submission:

PreventionGenetics, part of Exact Sciences
Classification: Uncertain significance for CSMD3-related condition. Last evaluated: 2024-07-10. Review status: no assertion criteria provided. Collection method: clinical testing. Allele origin: germline.
Comment: The CSMD3 c.8976G>A variant is predicted to result in the amino acid substitution p.Met2992Ile. To our knowledge, this variant has not been reported in the literature or in a large population database, indicating this variant is rare. Although we suspect that this variant may be pathogenic, at this time, the clinical significance of this variant is uncertain due to the absence of conclusive functional and genetic evidence.